The following is an entry in ClinVar:

ClinVar aggregate classification (germline): Conflicting classifications of pathogenicity. Review status: criteria provided, conflicting classifications (1 of 4 stars). 5 submissions from 5 submitters: Uncertain significance (4); Likely benign (1). Last evaluated 2026-01-29.

Conditions:
Focal segmental glomerulosclerosis 6 (FSGS6). Identifiers: Orphanet 656, MedGen C3279905, MONDO:0013589, OMIM 614131.
Focal segmental glomerulosclerosis (FSGS). Also called: Glomerulosclerosis, focal; Focal sclerosis with hyalinosis. Identifiers: MedGen C0017668, MONDO:0100313, HP:0000097. Disease mechanism: loss of function.

Allele frequency attached by ClinVar (database versions not stated): ESP Exome Variant Server 0.00008; TOPMed 0.00025; 1000 Genomes Project 30x 0.00031; 1000 Genomes Project 0.00040; gnomAD exomes 0.00043; gnomAD 0.00044; ExAC 0.00054.
gnomAD v4.1: 717 of 1,614,126 alleles (0.044%); highest among the groups gnomAD compares: Middle Eastern, 0.15%; 2 homozygotes.

Submissions (5):

GeneDx
Classification: Uncertain significance. Last evaluated: 2026-01-29. Review status: criteria provided, single submitter. Criteria: GeneDx Variant Classification Process June 2021. Collection method: clinical testing. Allele origin: germline.
Comment: In silico analysis supports that this missense variant has a deleterious effect on protein structure/function; Has not been previously published as pathogenic or benign in associated with MYO1E-related disorders to our knowledge; This variant is associated with the following publications: (PMID: 30564305, 30415495)

Molecular Genetics McLendon Clinical Laboratories, University of North Carolina at Chapel Hill
Classification: Uncertain significance for Focal segmental glomerulosclerosis. Last evaluated: 2026-01-23. Review status: criteria provided, single submitter. Criteria: ACMG Guidelines, 2015. Collection method: clinical testing. Allele origin: germline.

Labcorp Genetics (formerly Invitae), Labcorp
Classification: Likely benign. Last evaluated: 2025-06-07. Review status: criteria provided, single submitter. Criteria: Invitae Variant Classification Sherloc (09022015). Collection method: clinical testing. Allele origin: germline.

Blueprint Genetics
Classification: Uncertain significance. Last evaluated: 2024-11-25. Review status: criteria provided, single submitter. Criteria: ACMG Guidelines, 2015. Collection method: clinical testing. Allele origin: germline.

Fulgent Genetics
Classification: Uncertain significance for Focal segmental glomerulosclerosis 6. Last evaluated: 2024-05-31. Review status: criteria provided, single submitter. Criteria: ACMG Guidelines, 2015. Collection method: clinical testing. Allele origin: germline.

NM_004998.4(MYO1E):c.2383G>A (p.Gly795Arg)

Gene: MYO1E (myosin IE; minus strand). Cytogenetic location: 15q22.2.
Variant type: single nucleotide variant.
Coding change: c.2383G>A on transcript NM_004998.4 (MANE Select); coding-DNA position 2383, G replaced by A.
Protein change: p.Gly795Arg; replaces glycine 795 with arginine.
Molecular consequence: missense variant.
Genome position (GRCh38, 1-based): chr15:59,171,994, C>T on the plus strand (G>A on the coding strand, the complement: MYO1E is on the minus strand). VCF-style: chr15-59171994-C-T. GRCh37 (hg19) VCF-style: chr15-59464193-C-T.
Other names: short protein forms G795R.
Identifiers: ClinVar variation 2759822 (VCV002759822.7), dbSNP rs180951130, ClinGen allele CA7589267.
Genomic context (GRCh38, chr15:59,171,994, plus strand): 5'-TCCGCTTCAGGACTTCTTTCACCAGGCCCTTGTCTGGGCCCTGTTTGACTTTTTCTCGTC[C>T]GATTAAGTACAAGCACTTTGGGGTAAGGAGCAGGTCTCGCTTTACACCCTGTAAGGAGAG-3'
Protein context (NP_004989.2, residues 785-805): LLTPKCLYLI[Gly795Arg]REKVKQGPDK